The following is an entry in ClinVar:

ClinVar aggregate classification (germline): Pathogenic. Review status: criteria provided, multiple submitters, no conflicts (2 of 4 stars). 6 submissions from 6 submitters: Pathogenic (4). 2 of the submissions do not count toward it. Last evaluated 2023-06-04.

Conditions:
Niemann-Pick disease, type C (NPC). Identifiers: Orphanet 646, MedGen C0220756, MONDO:0018982.
Niemann-Pick disease, type C1. Also called: NIEMANN-PICK DISEASE, VARIANT TYPE C1; NEUROVISCERAL STORAGE DISEASE WITH VERTICAL SUPRANUCLEAR OPHTHALMOPLEGIA; NIEMANN-PICK DISEASE WITH CHOLESTEROL ESTERIFICATION BLOCK; NIEMANN-PICK DISEASE WITHOUT SPHINGOMYELINASE DEFICIENCY; NIEMANN-PICK DISEASE, CHRONIC NEURONOPATHIC FORM. Identifiers: Orphanet 646, MedGen C3179455, MONDO:0009757, OMIM 257220.

Allele frequency attached by ClinVar (database versions not stated): gnomAD exomes below 0.00001.

Submissions (6):

Labcorp Genetics (formerly Invitae), Labcorp
Classification: Pathogenic for Niemann-Pick disease, type C1. Last evaluated: 2023-06-04. Review status: criteria provided, single submitter. Criteria: Invitae Variant Classification Sherloc (09022015). Collection method: clinical testing. Allele origin: germline.
Comment: For these reasons, this variant has been classified as Pathogenic. ClinVar contains an entry for this variant (Variation ID: 420124). This variant is also known as c.974_975insGA. This premature translational stop signal has been observed in individual(s) with Niemann-Pick disease type C (PMID: 12955717). This variant is not present in population databases (gnomAD no frequency). This sequence change creates a premature translational stop signal (p.Asp325Glufs*12) in the NPC1 gene. It is expected to result in an absent or disrupted protein product. Loss-of-function variants in NPC1 are known to be pathogenic (PMID: 9211850).

Women's Health and Genetics/Laboratory Corporation of America, LabCorp
Classification: Pathogenic for Niemann-Pick disease, type C. Last evaluated: 2020-09-21. Review status: criteria provided, single submitter. Criteria: LabCorp Variant Classification Summary - May 2015. Collection method: clinical testing. Allele origin: germline.
Comment: Variant summary: NPC1 c.973_974dupGA (p.Asp325GlufsX12) results in a premature termination codon, predicted to cause a truncation of the encoded protein or absence of the protein due to nonsense mediated decay, which are commonly known mechanisms for disease. Truncations downstream of this position have been classified as pathogenic by our laboratory. The variant was absent in 250156 control chromosomes. c.973_974dupGA has been reported in the literature in studies examining individuals affected with Niemann-Pick Disease Type C and also subsequently cited by others (example, Park_2003, Garver_2010, Cologna_2014). To our knowledge, no variant specific experimental evidence demonstrating an impact on protein function has been reported although this variant was included in a study that examined the markers of neuroinflammation in human post-mortem NPC1 brain tissues (Cologna_2014). Three clinical diagnostic laboratories have submitted clinical-significance assessments for this variant to ClinVar after 2014 without evidence for independent evaluation. All laboratories classified the variant as pathogenic (n=2)/likely pathogenic. Based on the evidence outlined above, the variant was classified as pathogenic.

GeneDx
Classification: Pathogenic. Last evaluated: 2017-02-22. Review status: criteria provided, single submitter. Criteria: GeneDx Variant Classification (06012015). Collection method: clinical testing. Allele origin: germline. Affected: yes.
Comment: The c.973_974dupGA variant in the NPC1 gene has been reported previously in association with Niemann-Pick disease type C (alternate nomenclature as c.974_975insGA; Park et al., 2013). The c.973_974dupGA variant causes a frameshift starting with codon Aspartic Acid 325, changes this amino acid to a Glutamic Acid residue, and creates a premature Stop codon at position 12 of the new reading frame, denoted p.Asp325GlufsX12. This variant is predicted to cause loss of normal protein function either through protein truncation or nonsense-mediated mRNA decay. The c.973_974dupGA variant is not observed in large population cohorts (Lek et al., 2016; 1000 Genomes Consortium et al., 2015; Exome Variant Server). We interpret c.973_974dupGA as a pathogenic variant.

Eurofins Ntd Llc (ga)
Classification: Pathogenic. Last evaluated: 2016-08-25. Review status: criteria provided, single submitter. Criteria: EGL Classification Definitions. Collection method: clinical testing. Allele origin: germline. Observed: 1 variant allele, 1 heterozygote.

Natera, Inc.
Classification: Pathogenic for Niemann-Pick disease type C1. Last evaluated: 2020-09-16. Review status: no assertion criteria provided. Collection method: clinical testing. Allele origin: germline. Not counted in ClinVar's aggregate classification.

Counsyl
Classification: Likely pathogenic for Niemann-Pick disease, type C1. Last evaluated: 2016-11-18. Review status: no assertion criteria provided. Collection method: clinical testing. Allele origin: unknown. Not counted in ClinVar's aggregate classification.

Literature cited by the submitters: PubMed 12955717 (cited by 3 submitters); PubMed 9211850 (cited by Labcorp Genetics (formerly Invitae), Labcorp); PubMed 19744920 (cited by Women's Health and Genetics/Laboratory Corporation of America, LabCorp); PubMed 23653225 (cited by Women's Health and Genetics/Laboratory Corporation of America, LabCorp).

NM_000271.5(NPC1):c.973_974dup (p.Asp325fs)

Gene: NPC1 (NPC intracellular cholesterol transporter 1; minus strand). Cytogenetic location: 18q11.2.
Variant type: Duplication.
Coding change: c.973_974dup on transcript NM_000271.5 (MANE Select); coding-DNA positions 973 to 974, 2 bases duplicated (GA; older notation c.973_974dupGA).
Protein change: p.Asp325fs; shifts the reading frame from aspartic acid 325.
Molecular consequence: frameshift variant.
Genome position (GRCh38, 1-based): chr18:23,556,595-23,556,596, TC duplicated on the plus strand (GA on the coding strand, the reverse complement: NPC1 is on the minus strand). VCF-style (leftmost placement, unchanged base first): chr18-23556594-G-GTC. GRCh37 (hg19) VCF-style: chr18-21136558-G-GTC.
Other names: c.973_974dupGA (NM_000271.5); short protein forms D325fs.
Identifiers: ClinVar variation 420124 (VCV000420124.15), dbSNP rs886044580, ClinGen allele CA10606936.